The following is an entry in ClinVar:

ClinVar aggregate classification (germline): Uncertain significance (1 of 4 stars; one submission).

Submission:

GeneDx
Classification: Uncertain significance. Last evaluated: 2023-07-27. Review status: criteria provided, single submitter. Criteria: GeneDx Variant Classification Process June 2021. Collection method: clinical testing. Allele origin: germline. Affected: yes.
Comment: Not observed at significant frequency in large population cohorts (gnomAD); In silico analysis supports that this missense variant does not alter protein structure/function; Has not been previously published as pathogenic or benign to our knowledge

NM_014991.6(WDFY3):c.2222C>T (p.Thr741Ile)

Genes: WDFY3 (WD repeat and FYVE domain containing 3; minus strand), WDFY3-AS1 (WDFY3 antisense RNA 1; plus strand). Cytogenetic location: 4q21.23.
Variant type: single nucleotide variant.
Coding change: c.2222C>T on transcript NM_014991.6 (MANE Select); coding-DNA position 2222, C replaced by T.
Protein change: p.Thr741Ile; replaces threonine 741 with isoleucine.
Molecular consequence: missense variant.
Genome position (GRCh38, 1-based): chr4:84,810,010, G>A on the plus strand (C>T on the coding strand, the complement: WDFY3 is on the minus strand). VCF-style: chr4-84810010-G-A. GRCh37 (hg19) VCF-style: chr4-85731163-G-A.
Other names: short protein forms T741I.
Identifiers: ClinVar variation 3361578 (VCV003361578.1).